The following is an entry in ClinVar:

NM_005055.5(RAPSN):c.492C>T (p.Arg164=)

Gene: RAPSN (receptor associated protein of the synapse; minus strand). Cytogenetic location: 11p11.2.
Variant type: single nucleotide variant.
Coding change: c.492C>T on transcript NM_005055.5 (MANE Select); coding-DNA position 492, C replaced by T.
Protein change: p.Arg164=; no amino-acid change (arginine 164 retained).
Molecular consequence: synonymous variant.
Genome position (GRCh38, 1-based): chr11:47,447,851, G>A on the plus strand (C>T on the coding strand, the complement: RAPSN is on the minus strand). VCF-style: chr11-47447851-G-A. GRCh37 (hg19) VCF-style: chr11-47469403-G-A.
Other names: c.492C>T, p.Arg164= (NM_032645.5).
Identifiers: ClinVar variation 304978 (VCV000304978.25), dbSNP rs146237774, ClinGen allele CA5976732.

ClinVar aggregate classification (germline): Conflicting classifications of pathogenicity. Review status: criteria provided, conflicting classifications (1 of 4 stars). 6 submissions from 5 submitters: Uncertain significance (2); Benign (1); Likely benign (1). 2 of the submissions do not count toward it. Last evaluated 2026-01-29.

Conditions:
RAPSN-related disorder. Also called: RAPSN-related disorders; RAPSN-related condition. Identifiers: MedGen CN239397.
Fetal akinesia deformation sequence 1 (FADS1). Also called: Fetal akinesia sequence; Pena-Shokeir syndrome type I. Identifiers: Orphanet 994, MedGen C1276035, MONDO:0100101, OMIM 208150, HP:0001989.
Congenital myasthenic syndrome 11. Also called: MYASTHENIC SYNDROME, CONGENITAL, Ie; Myasthenic syndrome, congenital, 11, associated with acetylcholine receptor deficiency. Identifiers: Orphanet 590, MedGen C4225367, MONDO:0014588, OMIM 616326.
Congenital myasthenic syndrome (CMS). Also called: Congenital Myasthenic Syndromes. Identifiers: Orphanet 590, MedGen C0751882, MeSH D020294, MONDO:0018940.

Allele frequency attached by ClinVar (database versions not stated): ExAC 0.00028; gnomAD exomes 0.00034 and 0.00079; TOPMed 0.00040; gnomAD 0.00044 and 0.00046; ESP Exome Variant Server 0.00046.
gnomAD v4.1: 1,189 of 1,613,242 alleles (0.074%); highest among the groups gnomAD compares: Non-Finnish European, 0.096%; no homozygotes.

Submissions (6):

Labcorp Genetics (formerly Invitae), Labcorp
Classification: Likely benign for Congenital myasthenic syndrome 11; Fetal akinesia deformation sequence 1. Last evaluated: 2026-01-29. Review status: criteria provided, single submitter. Criteria: Invitae Variant Classification Sherloc (09022015). Collection method: clinical testing. Allele origin: germline.

Revvity Omics, Revvity
Classification: Benign. Last evaluated: 2023-10-06. Review status: criteria provided, single submitter. Criteria: ACMG Guidelines, 2015. Collection method: clinical testing. Allele origin: germline.

Illumina Laboratory Services, Illumina
Classification: Uncertain significance for Congenital myasthenic syndrome 11. Last evaluated: 2018-01-13. Review status: criteria provided, single submitter. Criteria: ICSL Variant Classification Criteria 13 December 2019. Collection method: clinical testing. Allele origin: germline.

Illumina Laboratory Services, Illumina
Classification: Uncertain significance for Fetal akinesia deformation sequence 1. Last evaluated: 2018-01-13. Review status: criteria provided, single submitter. Criteria: ICSL Variant Classification Criteria 13 December 2019. Collection method: clinical testing. Allele origin: germline.

Natera, Inc.
Classification: Uncertain significance for Congenital myasthenic syndrome. Last evaluated: 2020-04-14. Review status: no assertion criteria provided. Collection method: clinical testing. Allele origin: germline. Not counted in ClinVar's aggregate classification.

PreventionGenetics, part of Exact Sciences
Classification: Likely benign for RAPSN-related condition. Last evaluated: 2019-10-28. Review status: no assertion criteria provided. Collection method: clinical testing. Allele origin: germline. Not counted in ClinVar's aggregate classification.
Comment: This variant is classified as likely benign based on ACMG/AMP sequence variant interpretation guidelines (Richards et al. 2015 PMID: 25741868, with internal and published modifications).